The following is an entry in ClinVar:

ClinVar aggregate classification (germline): Likely pathogenic (1 of 4 stars; one submission).

Conditions:
Spastic paraplegia. Identifiers: MedGen C0037772, HP:0001258.

Submission:

Labcorp Genetics (formerly Invitae), Labcorp
Classification: Likely pathogenic for Spastic paraplegia. Last evaluated: 2024-01-24. Review status: criteria provided, single submitter. Criteria: Invitae Variant Classification Sherloc (09022015). Collection method: clinical testing. Allele origin: germline.
Comment: This sequence change affects an acceptor splice site in intron 24 of the KIF5A gene. It is expected to disrupt RNA splicing. Variants that disrupt the donor or acceptor splice site typically lead to a loss of protein function (PMID: 16199547), and loss-of-function variants in KIF5A are known to be pathogenic (PMID: 26374131). This variant is not present in population databases (gnomAD no frequency). This variant has not been reported in the literature in individuals affected with KIF5A-related conditions. ClinVar contains an entry for this variant (Variation ID: 2123782). Algorithms developed to predict the effect of sequence changes on RNA splicing suggest that this variant may disrupt the consensus splice site. In summary, the currently available evidence indicates that the variant is pathogenic, but additional data are needed to prove that conclusively. Therefore, this variant has been classified as Likely Pathogenic.

Literature cited by the submitters: PubMed 16199547; PubMed 26374131.

NM_004984.4(KIF5A):c.2756-2A>G

Gene: KIF5A (kinesin family member 5A; plus strand). Cytogenetic location: 12q13.3.
Variant type: single nucleotide variant.
Coding change: c.2756-2A>G on transcript NM_004984.4 (MANE Select); the canonical splice acceptor site of the intron before coding-DNA position 2756, A replaced by G.
Molecular consequence: splice acceptor variant.
Genome position (GRCh38, 1-based): chr12:57,581,413, A>G. VCF-style: chr12-57581413-A-G. GRCh37 (hg19) VCF-style: chr12-57975196-A-G.
Other names: c.2489-2A>G (NM_001354705.2).
Identifiers: ClinVar variation 2123782 (VCV002123782.4), dbSNP rs2540515401, ClinGen allele CA385515516.
Genomic context (GRCh38, chr12:57,581,413, plus strand): 5'-CAGGGACCAGGGCAAATGCAGGGTCATAGCCTCCTCATGGTTGTTTTCTTTCTTTATTGC[A>G]GCCAAACCCGTCCGGCCTGGCCACTACCCAGCATCCTCACCCACCAACCCCTATGGCACC-3'